The following is an entry in ClinVar:

NM_001458.5(FLNC):c.3730G>A (p.Val1244Met)

Gene: FLNC (filamin C; plus strand). Cytogenetic location: 7q32.1.
Variant type: single nucleotide variant.
Coding change: c.3730G>A on transcript NM_001458.5 (MANE Select); coding-DNA position 3730, G replaced by A.
Protein change: p.Val1244Met; replaces valine 1244 with methionine.
Molecular consequence: missense variant.
Genome position (GRCh38, 1-based): chr7:128,845,195, G>A. VCF-style: chr7-128845195-G-A. GRCh37 (hg19) VCF-style: chr7-128485249-G-A.
Other names: c.3730G>A, p.Val1244Met (NM_001127487.2); c.3730G>A (NM_001458.4); short protein forms V1244M.
Identifiers: ClinVar variation 1379199 (VCV001379199.10), dbSNP rs746023653, ClinGen allele CA4475109.
Genomic context (GRCh38, chr7:128,845,195, plus strand): 5'-TACACCATTACCATCAAGTATGGCGGGCATCCCGTGCCCAAATTCCCCACCCGTGTCCAT[G>A]TGCAGCCTGCGGTCGATACCAGTGGCGTCAAGGTCTCAGGGCCTGGTGTTGAGCCACACG-3'
Protein context (NP_001449.3, residues 1234-1254): PVPKFPTRVH[Val1244Met]QPAVDTSGVK

ClinVar aggregate classification (germline): Conflicting classifications of pathogenicity. Review status: criteria provided, conflicting classifications (1 of 4 stars). 3 submissions from 3 submitters: Uncertain significance (2); Likely benign (1). Last evaluated 2025-08-28.

Conditions:
Cardiovascular phenotype. Identifiers: MedGen CN230736.
Distal myopathy with posterior leg and anterior hand involvement. Also called: WILLIAMS DISTAL MYOPATHY. Identifiers: Orphanet 63273, MedGen C3279722, MONDO:0013550, OMIM 614065.
Hypertrophic cardiomyopathy 26. Also called: Cardiomyopathy, familial hypertrophic, 26. Identifiers: Orphanet 75249, MedGen C4310749, MONDO:0014883, OMIM 617047.
Myofibrillar myopathy 5. Also called: Filaminopathy (type); FILAMINOPATHY, AUTOSOMAL DOMINANT. Identifiers: Orphanet 171445, MedGen C1836050, MONDO:0012289, OMIM 609524.

Allele frequency attached by ClinVar (database versions not stated): gnomAD exomes below 0.00001; ExAC 0.00001; gnomAD 0.00001 and 0.00002; TOPMed 0.00002.
gnomAD v4.1: 3 of 1,613,842 alleles (0.00019%); highest among the groups gnomAD compares: African/African-American, 0.0027%; no homozygotes.

Submissions (3):

Ambry Genetics
Classification: Uncertain significance for Cardiovascular phenotype. Last evaluated: 2025-08-28. Review status: criteria provided, single submitter. Criteria: Ambry Variant Classification Scheme 2023. Collection method: clinical testing. Allele origin: germline.
Comment: The p.V1244M variant (also known as c.3730G>A), located in coding exon 21 of the FLNC gene, results from a G to A substitution at nucleotide position 3730. The valine at codon 1244 is replaced by methionine, an amino acid with highly similar properties. This amino acid position is conserved. In addition, this alteration is predicted to be deleterious by in silico analysis. Based on the available evidence, the clinical significance of this variant remains unclear.

Labcorp Genetics (formerly Invitae), Labcorp
Classification: Likely benign for Distal myopathy with posterior leg and anterior hand involvement; Myofibrillar myopathy 5; Hypertrophic cardiomyopathy 26. Last evaluated: 2025-02-11. Review status: criteria provided, single submitter. Criteria: Invitae Variant Classification Sherloc (09022015). Collection method: clinical testing. Allele origin: germline.

Blueprint Genetics
Classification: Uncertain significance. Last evaluated: 2024-01-19. Review status: criteria provided, single submitter. Criteria: ACMG Guidelines, 2015. Collection method: clinical testing. Allele origin: germline.